The following is an entry in ClinVar:

NM_000059.4(BRCA2):c.6399_6401del (p.Asn2135del)

Gene: BRCA2 (BRCA2 DNA repair associated; plus strand). Cytogenetic location: 13q13.1.
Variant type: Deletion.
Coding change: c.6399_6401del on transcript NM_000059.4 (MANE Select); coding-DNA positions 6399 to 6401, 3 bases deleted (AAA; older notation c.6399_6401delAAA).
Protein change: p.Asn2135del; deletes asparagine 2135.
Molecular consequence: inframe deletion.
Genome position (GRCh38, 1-based): chr13:32,340,754-32,340,756, AAA deleted. VCF-style (leftmost placement, unchanged base first): chr13-32340753-CAAA-C. GRCh37 (hg19) VCF-style: chr13-32914890-CAAA-C.
Other names: N2134del; 6627del3; c.6399_6401delAAA (NM_000059.4, NM_000059.3); short protein forms N2135del.
Identifiers: ClinVar variation 38042 (VCV000038042.39), dbSNP rs80359581, ClinGen allele CA023983.
Genomic context (GRCh38, chr13:32,340,753, plus strand): 5'-ACCCAGAGCACTGTGTAAACTCAGAAATGGAAAAAACCTGCAGTAAAGAATTTAAATTAT[CAAA>C]TAACTTAAATGTTGAAGGTGGTTCTTCAGAAAATAATCACTCTATTAAAGTTTCTCCATA-3'

ClinVar aggregate classification (germline): Conflicting classifications of pathogenicity. Review status: criteria provided, conflicting classifications (1 of 4 stars). 14 submissions from 14 submitters: Uncertain significance (9); Likely benign (1). 4 of the submissions do not count toward it. Last evaluated 2026-02-01.

Conditions:
Pancreatic cancer, susceptibility to, 2. Identifiers: Orphanet 1333, MedGen C3150546, MONDO:0013235, OMIM 613347.
Glioma susceptibility 3 (GLM3). Also called: Glioblastoma 3. Identifiers: Orphanet 182067, Orphanet 360, MedGen C2751641, MONDO:0013093, OMIM 613029.
Familial prostate cancer. Also called: Hereditary Prostate Cancer. Identifiers: MedGen C2931456, MONDO:0700275, OMIM 176807.
Breast-ovarian cancer, familial, susceptibility to, 2 (BROVCA2). Also called: BRCA2 Hereditary Breast and Ovarian Cancer. Identifiers: Orphanet 145, MedGen C2675520, MONDO:0012933, OMIM 612555. Disease mechanism: loss of function.
Fanconi anemia complementation group D1. Also called: BRCA2-Related Fanconi Anemia. Identifiers: Orphanet 319462, MedGen C1838457, MONDO:0011584, OMIM 605724.
Medulloblastoma (MDB). Also called: Medulloblastoma, somatic; MEDULLOBLASTOMA PREDISPOSITION SYNDROME. Identifiers: Orphanet 616, MedGen C0025149, MeSH D008527, MONDO:0007959, OMIM 155255, HP:0002885.
Wilms tumor 1 (WT1). Also called: Wilms tumor, somatic. Identifiers: Orphanet 654, MedGen CN033288, MONDO:0008679, OMIM 194070.
Familial cancer of breast. Also called: BREAST CANCER, FAMILIAL; hereditary breast carcinoma; Hereditary breast cancer. Identifiers: Orphanet 227535, MedGen C0346153, MONDO:0016419, OMIM 114480. Disease mechanism: loss of function.
Hereditary cancer-predisposing syndrome. Also called: Neoplastic Syndromes, Hereditary; Tumor predisposition; Hereditary Cancer Syndrome; Hereditary neoplastic syndrome. Identifiers: Orphanet 140162, MedGen C0027672, MeSH D009386, MONDO:0015356.
Hereditary breast ovarian cancer syndrome. Also called: Breast and ovarian cancer; Hereditary breast and ovarian cancer; Hereditary breast and ovarian cancer syndrome (HBOC); Hereditary breast and ovarian cancer syndrome; BRCA1- and BRCA2-Associated Hereditary Breast and Ovarian Cancer; Hereditary breast and/or ovarian cancer syndrome. Identifiers: Orphanet 145, MedGen C0677776, MeSH D061325, MONDO:0003582. Disease mechanism: loss of function.

Allele frequency attached by ClinVar (database versions not stated): TOPMed below 0.00001; gnomAD exomes 0.00001 and 0.00003; ExAC 0.00002.

Submissions (14):

Labcorp Genetics (formerly Invitae), Labcorp
Classification: Uncertain significance for Hereditary breast ovarian cancer syndrome. Last evaluated: 2026-02-01. Review status: criteria provided, single submitter. Criteria: Invitae Variant Classification Sherloc (09022015). Collection method: clinical testing. Allele origin: germline.
Comment: This variant, c.6399_6401del, results in the deletion of 1 amino acid(s) of the BRCA2 protein (p.Asn2135del), but otherwise preserves the integrity of the reading frame. This variant is present in population databases (rs80359581, gnomAD 0.002%). This variant has not been reported in the literature in individuals affected with BRCA2-related conditions. ClinVar contains an entry for this variant (Variation ID: 38042). Experimental studies and prediction algorithms are not available or were not evaluated, and the functional significance of this variant is currently unknown. In summary, the available evidence is currently insufficient to determine the role of this variant in disease. Therefore, it has been classified as a Variant of Uncertain Significance.

Ambry Genetics
Classification: Uncertain significance for Hereditary cancer-predisposing syndrome. Last evaluated: 2025-09-12. Review status: criteria provided, single submitter. Criteria: Ambry Variant Classification Scheme 2023. Collection method: clinical testing. Allele origin: germline.
Comment: The c.6399_6401delAAA variant (also known as p.N2135del) is located in coding exon 10 of the BRCA2 gene. This variant results from an in-frame AAA deletion at nucleotide positions 6399 to 6401. This results in the in-frame deletion of an asparagine at codon 2135. This amino acid position is not well conserved in available vertebrate species. In addition, the in silico prediction for this variant is inconclusive (Choi Y et al. PLoS ONE. 2012; 7(10):e46688). Based on the available evidence, the clinical significance of this variant remains unclear.

GeneDx
Classification: Uncertain significance. Last evaluated: 2025-05-25. Review status: criteria provided, single submitter. Criteria: GeneDx Variant Classification Process June 2021. Collection method: clinical testing. Allele origin: germline. Affected: yes.
Comment: In-frame deletion of 1 amino acid(s) in a non-repeat region; Observed in individuals undergoing multi-gene panel testing based on personal and family history of cancer (PMID: 31853058); In silico analysis supports a deleterious effect on protein structure/function; Not observed at significant frequency in large population cohorts (gnomAD); Also known as 6627_6629delAAA; This variant is associated with the following publications: (PMID: 29596542, 29891941, 31853058, 31131967)

Center for Genomic Medicine, Rigshospitalet, Copenhagen University Hospital
Classification: Uncertain significance. Last evaluated: 2025-03-04. Review status: criteria provided, single submitter. Criteria: ACMG Guidelines, 2015. Collection method: clinical testing. Allele origin: germline.

Quest Diagnostics Nichols Institute San Juan Capistrano
Classification: Uncertain significance. Last evaluated: 2024-07-05. Review status: criteria provided, single submitter. Criteria: Quest Diagnostics criteria. Collection method: clinical testing. Allele origin: unknown.
Comment: The BRCA2 c.6399_6401del (p.Asn2135del) variant has been reported in the published literature in an individual with acute myeloid leukemia (PMID: 29891941 (2018)). The frequency of this variant in the general population, 0.0000083 (2/240862 chromosomes (Genome Aggregation Database)), is uninformative in the assessment of its pathogenicity. Based on the available information, we are unable to determine the clinical significance of this variant.

Fulgent Genetics
Classification: Uncertain significance for Familial cancer of breast; Medulloblastoma; Familial prostate cancer; Wilms tumor 1; Fanconi anemia complementation group D1; Breast-ovarian cancer, familial, susceptibility to, 2; Glioma susceptibility 3; Pancreatic cancer, susceptibility to, 2. Last evaluated: 2024-06-11. Review status: criteria provided, single submitter. Criteria: ACMG Guidelines, 2015. Collection method: clinical testing. Allele origin: germline.

Women's Health and Genetics/Laboratory Corporation of America, LabCorp
Classification: Uncertain significance. Last evaluated: 2023-12-20. Review status: criteria provided, single submitter. Criteria: LabCorp Variant Classification Summary - May 2015. Collection method: clinical testing. Allele origin: germline.
Comment: Variant summary: BRCA2 c.6399_6401delAAA (p.Asn2135del) results in an in-frame deletion that is predicted to remove one amino acid from the encoded protein. The variant allele was found at a frequency of 8.3e-06 in 240862 control chromosomes (gnomAD). The available data on variant occurrences in the general population are insufficient to allow any conclusion about variant significance. To our knowledge, no occurrence of c.6399_6401delAAA in individuals affected with Hereditary Breast And Ovarian Cancer Syndrome and no experimental evidence demonstrating its impact on protein function have been reported. Nine submitters have cited clinical-significance assessments for this variant to ClinVar after 2014. Eight submitters classified the variant as uncertain significance and one classified it as likely benign. Based on the evidence outlined above, the variant was classified as uncertain significance.

Mendelics
Classification: Uncertain significance for Breast-ovarian cancer, familial, susceptibility to, 2. Last evaluated: 2019-05-28. Review status: criteria provided, single submitter. Criteria: Mendelics Assertion Criteria 2017. Collection method: clinical testing. Allele origin: unknown.

Color Diagnostics, LLC DBA Color Health
Classification: Likely benign for Hereditary cancer-predisposing syndrome. Last evaluated: 2015-09-22. Review status: criteria provided, single submitter. Criteria: ACMG Guidelines, 2015. Collection method: clinical testing. Allele origin: germline.

Clinical Genetics DNA and cytogenetics Diagnostics Lab, Erasmus MC, Erasmus Medical Center
Classification: Uncertain significance for Breast-ovarian cancer, familial, susceptibility to, 2. Last evaluated: 2015-09-21. Review status: criteria provided, single submitter. Criteria: ACGS Guidelines, 2013. Collection method: clinical testing. Allele origin: germline. Affected: yes. Study: VKGL Data-share Consensus.

Counsyl
Classification: Uncertain significance for Breast-ovarian cancer, familial, susceptibility to, 2. Last evaluated: 2015-12-28. Review status: no assertion criteria provided. Collection method: clinical testing. Allele origin: unknown. Not counted in ClinVar's aggregate classification.

Sharing Clinical Reports Project (SCRP)
Classification: Likely benign for Breast-ovarian cancer, familial 2. Last evaluated: 2012-06-14. Review status: no assertion criteria provided. Collection method: clinical testing. Allele origin: germline. Not counted in ClinVar's aggregate classification.

Breast Cancer Information Core (BIC) (BRCA2)
Classification: Uncertain significance for Breast-ovarian cancer, familial 2. Last evaluated: 2002-05-29. Review status: no assertion criteria provided. Collection method: clinical testing. Allele origin: germline. Affected: yes. Observed: 2 variant alleles. Not counted in ClinVar's aggregate classification.

Diagnostic Laboratory, Department of Genetics, University Medical Center Groningen
Classification: Uncertain significance for Breast-ovarian cancer, familial, susceptibility to, 2. Review status: no assertion criteria provided. Collection method: clinical testing. Allele origin: germline. Affected: yes. Study: VKGL Data-share Consensus. Not counted in ClinVar's aggregate classification.

Literature cited by the submitters: PubMed 29891941 (cited by Quest Diagnostics Nichols Institute San Juan Capistrano).